The following is an entry in ClinVar:

ClinVar aggregate classification (germline): Conflicting classifications of pathogenicity. Review status: criteria provided, conflicting classifications (1 of 4 stars). 3 submissions from 3 submitters: Uncertain significance (2); Likely benign (1). Last evaluated 2024-08-12.

Conditions:
Neurofibromatosis, type 2 (SWNV). Also called: BILATERAL ACOUSTIC NEUROFIBROMATOSIS; SCHWANNOMATOSIS, VESTIBULAR; NF2-Related Schwannomatosis. Identifiers: Orphanet 637, MedGen C0027832, MONDO:0007039, OMIM 101000. Disease mechanism: loss of function.
Hereditary cancer-predisposing syndrome. Also called: Hereditary neoplastic syndrome; Hereditary Cancer Syndrome; Tumor predisposition; Neoplastic Syndromes, Hereditary. Identifiers: Orphanet 140162, MedGen C0027672, MeSH D009386, MONDO:0015356.

Allele frequency attached by ClinVar (database versions not stated): TOPMed below 0.00001; gnomAD exomes 0.00001; gnomAD 0.00002.
gnomAD v4.1: 17 of 1,613,508 alleles (0.0011%); highest among the groups gnomAD compares: Non-Finnish European, 0.0014%; no homozygotes.

Submissions (3):

Labcorp Genetics (formerly Invitae), Labcorp
Classification: Likely benign for Neurofibromatosis, type 2. Last evaluated: 2024-08-12. Review status: criteria provided, single submitter. Criteria: Invitae Variant Classification Sherloc (09022015). Collection method: clinical testing. Allele origin: germline.

All of Us Research Program, National Institutes of Health
Classification: Uncertain significance for Neurofibromatosis, type 2. Last evaluated: 2024-01-11. Review status: criteria provided, single submitter. Criteria: ACMG Guidelines, 2015. Collection method: clinical testing. Allele origin: germline. Inheritance: Autosomal dominant inheritance. Observed: 3 variant alleles, 3 heterozygotes.
Comment: This variant causes a T to G nucleotide substitution at the -12 position of intron 14 of the NF2 gene. This variant is predicted to weaken the reference splice acceptor site and also to activate a cryptic splice acceptor site. To our knowledge, functional studies have not been reported for this variant. This variant has not been reported in individuals affected with hereditary cancer in the literature. This variant has been identified in 1/251262 chromosomes in the general population by the Genome Aggregation Database (gnomAD). The available evidence is insufficient to determine the role of this variant in disease conclusively. Therefore, this variant is classified as a Variant of Uncertain Significance.

This study involves interpretation of variants in research participants for the purpose of population health screening. Participant phenotype was not available at the time of variant classification. Additional details can be found in publication PMID: 35346344, PMCID: PMC8962531

Ambry Genetics
Classification: Uncertain significance for Hereditary cancer-predisposing syndrome. Last evaluated: 2023-03-23. Review status: criteria provided, single submitter. Criteria: Ambry General Variant Classification Scheme_2022. Collection method: clinical testing. Allele origin: germline.
Comment: The c.1575-12T>G intronic variant results from a T to G substitution 12 nucleotides upstream from coding exon 15 in the NF2 gene. This nucleotide position is not well conserved in available vertebrate species. In silico splice site analysis predicts that this alteration may result in the creation or strengthening of a novel splice acceptor site. RNA studies have demonstrated that this alteration results in a splice defect; the clinical impact of this abnormal splicing is unknown at this time (Ambry internal data). Since supporting evidence is limited at this time, the clinical significance of this alteration remains unclear.

NM_000268.4(NF2):c.1575-12T>G

Gene: NF2 (NF2, moesin-ezrin-radixin like (MERLIN) tumor suppressor; plus strand). Cytogenetic location: 22q12.2.
Variant type: single nucleotide variant.
Coding change: c.1575-12T>G on transcript NM_000268.4 (MANE Select); 12 bases into the intron before coding-DNA position 1575, T replaced by G.
Molecular consequence: intron variant.
Genome position (GRCh38, 1-based): chr22:29,681,427, T>G. VCF-style: chr22-29681427-T-G. GRCh37 (hg19) VCF-style: chr22-30077416-T-G.
Other names: c.1575-12T>G (NM_016418.5, NM_181832.3, NM_001407066.1 and 1 more transcripts); c.1461-12T>G (NM_001407056.1, NM_001407053.1); c.1344-12T>G (NM_001407067.1); c.1041-12T>G (NM_001407065.1); c.1574+3104T>G (NM_001407060.1); c.1440-12T>G (NM_001407059.1, NM_001407057.1); c.448-13325T>G (NM_181833.3); c.1452-12T>G (NM_001407058.1, NM_181829.3, NM_001407054.1); and 4 more.
Identifiers: ClinVar variation 2496712 (VCV002496712.5), dbSNP rs751771156, ClinGen allele CA323120870.